The following is an entry in ClinVar:

NM_005996.4(TBX3):c.1351C>G (p.Arg451Gly)

Gene: TBX3 (T-box transcription factor 3; minus strand). Cytogenetic location: 12q24.21.
Variant type: single nucleotide variant.
Coding change: c.1351C>G on transcript NM_005996.4 (MANE Select); coding-DNA position 1351, C replaced by G.
Protein change: p.Arg451Gly; replaces arginine 451 with glycine.
Molecular consequence: missense variant.
Genome position (GRCh38, 1-based): chr12:114,674,524, G>C on the plus strand (C>G on the coding strand, the complement: TBX3 is on the minus strand). VCF-style: chr12-114674524-G-C. GRCh37 (hg19) VCF-style: chr12-115112329-G-C.
Other names: c.1411C>G, p.Arg471Gly (NM_016569.4); short protein forms R471G, R451G.
Identifiers: ClinVar variation 5002063 (VCV005002063.1).

ClinVar aggregate classification (germline): Uncertain significance (1 of 4 stars; one submission).

Conditions:
TBX3-related disorder. Also called: TBX3-related condition.

gnomAD v4.1: 2 of 1,517,802 alleles (0.00013%); highest among the groups gnomAD compares: African/African-American, 0.0014%; no homozygotes.

Submission:

PreventionGenetics, part of Exact Sciences
Classification: Uncertain significance for TBX3-related condition. Last evaluated: 2026-03-24. Review status: criteria provided, single submitter. Criteria: ACMG Guidelines, 2015. Collection method: clinical testing. Allele origin: germline.
Comment: The TBX3 c.1411C>G variant is predicted to result in the amino acid substitution p.Arg471Gly. To our knowledge, this variant has not been reported in the literature or in a large population database (gnomAD), indicating this variant is rare. At this time, the clinical significance of this variant is uncertain due to the absence of conclusive functional and genetic evidence.